The following is an entry in ClinVar:

Conditions:
Breast-ovarian cancer, familial, susceptibility to, 1 (BROVCA1). Also called: BRCA1 Hereditary Breast and Ovarian Cancer; OVARIAN CANCER, SUSCEPTIBILITY TO. Identifiers: Orphanet 145, MedGen C2676676, MONDO:0011450, OMIM 604370. Disease mechanism: loss of function.

Submission:

Brotman Baty Institute, University of Washington
No classification provided (evidence only). Condition: Breast-ovarian cancer, familial 1. Review status: no classification provided. Collection method: in vitro. Allele origin: not applicable. Functional consequence: functionally_normal.
ClinVar note: "not provided" was previously submitted as the classification for the variant. However, the classification appeared to be based only on an observation of functional data so it was converted to no classification on 2025-07-30.

NM_007294.4(BRCA1):c.5457T>G (p.Asn1819Lys)

Gene: BRCA1 (BRCA1 DNA repair associated; minus strand). Cytogenetic location: 17q21.31.
Variant type: single nucleotide variant.
Coding change: c.5457T>G on transcript NM_007294.4 (MANE Select); coding-DNA position 5457, T replaced by G.
Protein change: p.Asn1819Lys; replaces asparagine 1819 with lysine.
Molecular consequence: missense variant. On other transcripts: non-coding transcript variant (1).
Genome position (GRCh38, 1-based): chr17:43,047,653, A>C on the plus strand (T>G on the coding strand, the complement: BRCA1 is on the minus strand). VCF-style: chr17-43047653-A-C. GRCh37 (hg19) VCF-style: chr17-41199670-A-C.
Other names: c.5244T>G, p.Asn1748Lys (NM_001407571.1, NM_001407907.1, NM_001407908.1 and 12 more transcripts); c.5523T>G, p.Asn1841Lys (NM_001407581.1, NM_001407582.1); c.5520T>G, p.Asn1840Lys (NM_001407583.1, NM_001407585.1, NM_001407587.1 and 1 more transcripts); c.5517T>G, p.Asn1839Lys (NM_001407590.1, NM_001407591.1); c.5457T>G, p.Asn1819Lys (NM_001407593.1, NM_001407594.1, NM_001407596.1 and 5 more transcripts); c.5454T>G, p.Asn1818Lys (NM_001407614.1, NM_001407615.1, NM_001407616.1 and 14 more transcripts); c.5451T>G, p.Asn1817Lys (NM_001407633.1, NM_001407634.1, NM_001407635.1 and 13 more transcripts); c.5379T>G, p.Asn1793Lys (NM_001407655.1, NM_001407652.1, NM_001407653.1 and 1 more transcripts); and 83 more; short protein forms N1840K, N1819K, W691G, N1772K, N715K, N1523K, N1650K, N1729K.
Identifiers: ClinVar variation 868912 (VCV000868912.3), dbSNP rs1597799334, ClinGen allele CA10590461.
Genomic context (GRCh38, chr17:43,047,653, plus strand): 5'-AACCCATGCAAAAGGACCCCATATAGCACAGGTACATGCAGGCACCTTACCATGGAAGCC[A>C]TTGTCCTCTGTCCAGGCATCTGGCTGCACAACCACAATTGGGTGGACACCCTGGATCCCC-3'
Protein context (NP_009225.1, residues 1809-1829): VVQPDAWTED[Asn1819Lys]GFHAIGQMCE